The following is an entry in ClinVar:

ClinVar aggregate classification (germline): Pathogenic (1 of 4 stars; one submission).

Submission:

GeneDx
Classification: Pathogenic. Last evaluated: 2024-02-18. Review status: criteria provided, single submitter. Criteria: GeneDx Variant Classification Process June 2021. Collection method: clinical testing. Allele origin: germline. Affected: yes.
Comment: Nonsense variant predicted to result in protein truncation, as the last 351 amino acids are lost, and other loss-of-function variants have been reported downstream in HGMD; Not observed at significant frequency in large population cohorts (gnomAD); This variant is associated with the following publications: (PMID: 33938942)

NM_022893.4(BCL11A):c.1453G>T (p.Glu485Ter)

Gene: BCL11A (BCL11 transcription factor A; minus strand). Cytogenetic location: 2p16.1.
Variant type: single nucleotide variant.
Coding change: c.1453G>T on transcript NM_022893.4 (MANE Select); coding-DNA position 1453, G replaced by T.
Protein change: p.Glu485Ter; replaces glutamic acid 485 with a stop codon.
Molecular consequence: nonsense. On other transcripts: intron variant (6).
Genome position (GRCh38, 1-based): chr2:60,461,459, C>A on the plus strand (G>T on the coding strand, the complement: BCL11A is on the minus strand). VCF-style: chr2-60461459-C-A. GRCh37 (hg19) VCF-style: chr2-60688594-C-A.
Other names: c.1351G>T, p.Glu451Ter (NM_001363864.1, NM_001365609.1, NM_001405711.1 and 2 more transcripts); c.1453G>T, p.Glu485Ter (NM_001405708.1, NM_001405709.1, NM_001405710.1 and 1 more transcripts); c.1297G>T, p.Glu433Ter (NM_001405713.1, NM_001405714.1, NM_001405715.1 and 3 more transcripts); c.1195G>T, p.Glu399Ter (NM_001405717.1, NM_001405718.1, NM_001405724.1); c.1120G>T, p.Glu374Ter (NM_001405720.1, NM_001405721.1); c.997G>T, p.Glu333Ter (NM_001405725.1, NM_001405726.1, NM_001405727.1 and 1 more transcripts); c.760G>T, p.Glu254Ter (NM_001405729.1); c.916G>T, p.Glu306Ter (NM_001405730.1); and 5 more; short protein forms E154*, E254*, E306*, E333*, E374*, E399*, E433*, E451*.
Identifiers: ClinVar variation 3343957 (VCV003343957.1).